The following is an entry in ClinVar:

ClinVar aggregate classification (germline): Pathogenic (1 of 4 stars; one submission).

Submission:

Labcorp Genetics (formerly Invitae), Labcorp
Classification: Pathogenic. Last evaluated: 2022-03-01. Review status: criteria provided, single submitter. Criteria: Invitae Variant Classification Sherloc (09022015). Collection method: clinical testing. Allele origin: germline.
Comment: This variant has not been reported in the literature in individuals affected with ABCA4-related conditions. For these reasons, this variant has been classified as Pathogenic. Algorithms developed to predict the effect of sequence changes on RNA splicing suggest that this variant may disrupt the consensus splice site. This variant is not present in population databases (gnomAD no frequency). This sequence change creates a premature translational stop signal (p.Thr1855Argfs*8) in the ABCA4 gene. It is expected to result in an absent or disrupted protein product. Loss-of-function variants in ABCA4 are known to be pathogenic (PMID: 10958761, 24938718, 25312043, 26780318).

Literature cited by the submitters: PubMed 10958761; PubMed 24938718; PubMed 25312043; PubMed 26780318.

NM_000350.3(ABCA4):c.5564_5565del (p.Thr1855fs)

Gene: ABCA4 (ATP binding cassette subfamily A member 4; minus strand). Cytogenetic location: 1p22.1.
Variant type: Deletion.
Coding change: c.5564_5565del on transcript NM_000350.3 (MANE Select); coding-DNA positions 5564 to 5565, 2 bases deleted (CA; older notation c.5564_5565delCA).
Protein change: p.Thr1855fs; shifts the reading frame from threonine 1855.
Molecular consequence: frameshift variant.
Genome position (GRCh38, 1-based): chr1:94,011,281-94,011,282, TG deleted on the plus strand (CA on the coding strand, the reverse complement: ABCA4 is on the minus strand); deleting any 2 consecutive bases within chr1:94,011,281-94,011,283 gives the same sequence; the c. name uses the placement nearest the transcript's 3' end. VCF-style (leftmost placement, unchanged base first): chr1-94011280-CTG-C. GRCh37 (hg19) VCF-style: chr1-94476836-CTG-C.
Other names: c.5341_5342delAC, p.Thr1781Argfs (NM_001425324.1); short protein forms T1855fs.
Identifiers: ClinVar variation 2098696 (VCV002098696.4), dbSNP rs2523657513, ClinGen allele CA2580063561.
Genomic context (GRCh38, chr1:94,011,280, plus strand): 5'-GGACCCAGGGCCCATGCTCCATGGGCCTCGGCTACCACCCACCAAACCGGGCATAGACAT[CTG>C]TCACAGCCTGGCTCAGTGCAAGGTCAATGAGGCCCCGGCCCAGGCAGAAGTGGGGGAAGA-3'